The following is an entry in ClinVar:

NM_000550.3(TYRP1):c.277C>T (p.Arg93Cys)

Gene: TYRP1 (tyrosinase related protein 1; plus strand). Cytogenetic location: 9p23.
Variant type: single nucleotide variant.
Coding change: c.277C>T on transcript NM_000550.3 (MANE Select); coding-DNA position 277, C replaced by T.
Protein change: p.Arg93Cys; replaces arginine 93 with cysteine.
Molecular consequence: missense variant.
Genome position (GRCh38, 1-based): chr9:12,694,273, C>T. VCF-style: chr9-12694273-C-T. GRCh37 (hg19) VCF-style: chr9-12694273-C-T.
Other names: short protein forms R93C.
Identifiers: ClinVar variation 31621 (VCV000031621.10), dbSNP rs387907171, ClinGen allele CA129847.

ClinVar aggregate classification (germline): Uncertain significance. Review status: criteria provided, multiple submitters, no conflicts (2 of 4 stars). 3 submissions from 3 submitters: Uncertain significance (2). 1 of the submissions does not count toward it. Last evaluated 2024-11-26.

Conditions:
MELANESIAN BLOND HAIR (SHEP11). Also called: Skin/hair/eye pigmentation, variation in, 11; SKIN/HAIR/EYE PIGMENTATION 11, BLUE/NONBLUE EYES. Identifiers: MedGen C2677086, OMIM 612271.

Allele frequency attached by ClinVar (database versions not stated): gnomAD exomes 0.00006; ExAC 0.00007; TOPMed 0.00008; gnomAD 0.00017 and 0.00018; 1000 Genomes Project 0.00020; 1000 Genomes Project 30x 0.00031.

Submissions (3):

Blueprint Genetics
Classification: Uncertain significance. Last evaluated: 2024-11-26. Review status: criteria provided, single submitter. Criteria: ACMG Guidelines, 2015. Collection method: clinical testing. Allele origin: germline.

Labcorp Genetics (formerly Invitae), Labcorp
Classification: Uncertain significance. Last evaluated: 2022-08-16. Review status: criteria provided, single submitter. Criteria: Invitae Variant Classification Sherloc (09022015). Collection method: clinical testing. Allele origin: germline.
Comment: This sequence change replaces arginine, which is basic and polar, with cysteine, which is neutral and slightly polar, at codon 93 of the TYRP1 protein (p.Arg93Cys). This variant is present in population databases (rs387907171, gnomAD 0.02%). This missense change has been observed in individual(s) with lighter hair, skin and eye pigmentation in Pacific Islander populations (PMID: 22556244, 24449225). ClinVar contains an entry for this variant (Variation ID: 31621). Algorithms developed to predict the effect of missense changes on protein structure and function are either unavailable or do not agree on the potential impact of this missense change (SIFT: "Deleterious"; PolyPhen-2: "Possibly Damaging"; Align-GVGD: "Class C0"). Algorithms developed to predict the effect of sequence changes on RNA splicing suggest that this variant may create or strengthen a splice site. In summary, the available evidence is currently insufficient to determine the role of this variant in disease. Therefore, it has been classified as a Variant of Uncertain Significance.

OMIM
Classification: Affects for MELANESIAN BLOND HAIR. Last evaluated: 2012-05-04. Review status: no assertion criteria provided. Collection method: literature only. Allele origin: germline. Not counted in ClinVar's aggregate classification.

Literature cited by the submitters: PubMed 22556244 (cited by Labcorp Genetics (formerly Invitae), Labcorp and OMIM); PubMed 24449225 (cited by Labcorp Genetics (formerly Invitae), Labcorp).